The following is an entry in ClinVar:

NM_024592.5(SRD5A3):c.334C>T (p.Leu112Phe)

Gene: SRD5A3 (steroid 5 alpha-reductase 3; plus strand). Cytogenetic location: 4q12.
Variant type: single nucleotide variant.
Coding change: c.334C>T on transcript NM_024592.5 (MANE Select); coding-DNA position 334, C replaced by T.
Protein change: p.Leu112Phe; replaces leucine 112 with phenylalanine.
Molecular consequence: missense variant.
Genome position (GRCh38, 1-based): chr4:55,359,458, C>T. VCF-style: chr4-55359458-C-T. GRCh37 (hg19) VCF-style: chr4-56225625-C-T.
Other names: short protein forms L112F.
Identifiers: ClinVar variation 640304 (VCV000640304.3), dbSNP rs1578206800, ClinGen allele CA356957191.
Genomic context (GRCh38, chr4:55,359,458, plus strand): 5'-TGGTGCCTTACTCAATCTCTGTTCCTGGGAGCACCTTTTCCAAGCTGGCTTCATGGTTTG[C>T]TCAGAATTCTCGGGGCGGCACAGTTCCAGGGTAAGGACTCCCTGGGCTTATGACAACGCT-3'
Protein context (NP_078868.1, residues 102-122): APFPSWLHGL[Leu112Phe]RILGAAQFQG

ClinVar aggregate classification (germline): Uncertain significance. Review status: criteria provided, multiple submitters, no conflicts (2 of 4 stars). 2 submissions from 2 submitters: Uncertain significance (2). Last evaluated 2021-01-27.

Conditions:
Inborn genetic diseases. Identifiers: MedGen C0950123, MeSH D030342.
SRD5A3-congenital disorder of glycosylation. Also called: SRD5A3-CDG; CDG Iq; COLOBOMA, OCULAR, WITH ICHTHYOSIS, BRAIN MALFORMATIONS, AND ENDOCRINE ABNORMALITIES; Ocular colobomas, ichthyosis, brain malformations and endocrine abnormalities; Congenital disorder of glycosylation type 1Q. Identifiers: Orphanet 324737, MedGen C4317224, MONDO:0012885, OMIM 612379.

Allele frequency attached by ClinVar (database versions not stated): gnomAD exomes below 0.00001.
gnomAD v4.1: 2 of 1,614,024 alleles (0.00012%); highest among the groups gnomAD compares: Middle Eastern, 0.033%; no homozygotes.

Submissions (2):

Ambry Genetics
Classification: Uncertain significance for Inborn genetic diseases. Last evaluated: 2021-01-27. Review status: criteria provided, single submitter. Criteria: Ambry Variant Classification Scheme 2023. Collection method: clinical testing. Allele origin: germline.
Comment: The c.334C>T (p.L112F) alteration is located in exon 2 (coding exon 2) of the SRD5A3 gene. This alteration results from a C to T substitution at nucleotide position 334, causing the leucine (L) at amino acid position 112 to be replaced by a phenylalanine (F). The p.L112F alteration is predicted to be tolerated by in silico analysis. Based on insufficient or conflicting evidence, the clinical significance of this alteration remains unclear.

Labcorp Genetics (formerly Invitae), Labcorp
Classification: Uncertain significance for SRD5A3-congenital disorder of glycosylation. Last evaluated: 2018-09-27. Review status: criteria provided, single submitter. Criteria: Invitae Variant Classification Sherloc (09022015). Collection method: clinical testing. Allele origin: germline.
Comment: This sequence change replaces leucine with phenylalanine at codon 112 of the SRD5A3 protein (p.Leu112Phe). The leucine residue is highly conserved and there is a small physicochemical difference between leucine and phenylalanine. This variant is not present in population databases (ExAC no frequency). This variant has not been reported in the literature in individuals with SRD5A3-related disease. Algorithms developed to predict the effect of missense changes on protein structure and function are either unavailable or do not agree on the potential impact of this missense change (SIFT: "Tolerated"; PolyPhen-2: "Possibly Damaging"; Align-GVGD: "Class C0"). In summary, the available evidence is currently insufficient to determine the role of this variant in disease. Therefore, it has been classified as a Variant of Uncertain Significance.